The following is an entry in ClinVar:

ClinVar aggregate classification (germline): Uncertain significance (1 of 4 stars; one submission).

gnomAD v4.1: 10 of 1,612,432 alleles (0.00062%); highest among the groups gnomAD compares: Non-Finnish European, 0.00076%; no homozygotes.

Submission:

Ambry Genetics
Classification: Uncertain significance. Last evaluated: 2026-02-23. Review status: criteria provided, single submitter. Criteria: Ambry Variant Classification Scheme 2023. Collection method: clinical testing. Allele origin: germline.
Comment: The p.S79T variant (also known as c.235T>A), located in coding exon 3 of the SRP72 gene, results from a T to A substitution at nucleotide position 235. The serine at codon 79 is replaced by threonine, an amino acid with similar properties. This amino acid position is conserved. In addition, this alteration is predicted to be tolerated by in silico analysis. Based on the available evidence, the clinical significance of this variant remains unclear.

NM_006947.4(SRP72):c.235T>A (p.Ser79Thr)

Gene: SRP72 (signal recognition particle 72; plus strand). Cytogenetic location: 4q12.
Variant type: single nucleotide variant.
Coding change: c.235T>A on transcript NM_006947.4 (MANE Select); coding-DNA position 235, T replaced by A.
Protein change: p.Ser79Thr; replaces serine 79 with threonine.
Molecular consequence: missense variant. On other transcripts: non-coding transcript variant (1).
Genome position (GRCh38, 1-based): chr4:56,471,724, T>A. VCF-style: chr4-56471724-T-A. GRCh37 (hg19) VCF-style: chr4-57337890-T-A.
Other names: c.235T>A, p.Ser79Thr (NM_001267722.2); short protein forms S79T.
Identifiers: ClinVar variation 4825776 (VCV004825776.1).
Genomic context (GRCh38, chr4:56,471,724, plus strand): 5'-TGGGTGCATTGCATTGTTAGATAATAATCAGATACTGTTTTTTTTTCCTTCTTCAGTAAC[T>A]CTCTCTCCTTTGAAAAGGCATATTGCGAGTACAGGCTGAACAGAATTGAGAATGCCTTGA-3'
Protein context (NP_008878.3, residues 69-89): NTHTKVLANN[Ser79Thr]LSFEKAYCEY